The following is an entry in ClinVar:

NM_000059.4(BRCA2):c.4633C>A (p.Leu1545Ile)

Gene: BRCA2 (BRCA2 DNA repair associated; plus strand). Cytogenetic location: 13q13.1.
Variant type: single nucleotide variant.
Coding change: c.4633C>A on transcript NM_000059.4 (MANE Select); coding-DNA position 4633, C replaced by A.
Protein change: p.Leu1545Ile; replaces leucine 1545 with isoleucine.
Molecular consequence: missense variant. On other transcripts: non-coding transcript variant (1), intron variant (2).
Genome position (GRCh38, 1-based): chr13:32,338,988, C>A. VCF-style: chr13-32338988-C-A. GRCh37 (hg19) VCF-style: chr13-32913125-C-A.
Other names: c.4633C>A, p.Leu1545Ile (NM_001406719.1, NM_001406720.1); c.1910-5570C>A (NM_001406721.1); c.425-5570C>A (NM_001406722.1); short protein forms L1545I.
Identifiers: ClinVar variation 3070694 (VCV003070694.1), dbSNP rs1566230846, ClinGen allele CA387782110.

ClinVar aggregate classification (germline): Uncertain significance (1 of 4 stars; one submission).

Conditions:
Breast-ovarian cancer, familial, susceptibility to, 2 (BROVCA2). Also called: BRCA2 Hereditary Breast and Ovarian Cancer. Identifiers: Orphanet 145, MedGen C2675520, MONDO:0012933, OMIM 612555. Disease mechanism: loss of function.

Submission:

All of Us Research Program, National Institutes of Health
Classification: Uncertain significance for Breast-ovarian cancer, familial, susceptibility to, 2. Last evaluated: 2023-05-04. Review status: criteria provided, single submitter. Criteria: ACMG Guidelines, 2015. Collection method: clinical testing. Allele origin: germline. Inheritance: Autosomal dominant inheritance. Observed: 1 variant allele, 1 heterozygote.
Comment: This missense variant replaces leucine with isoleucine at codon 1545 of the BRCA2 protein. Computational prediction suggests that this variant may not impact protein structure and function (internally defined REVEL score threshold <= 0.5, PMID: 27666373). To our knowledge, functional studies have not been reported for this variant. This variant has not been reported in individuals affected with BRCA2-related disorders in the literature. This variant has not been identified in the general population by the Genome Aggregation Database (gnomAD). The available evidence is insufficient to determine the role of this variant in disease conclusively. Therefore, this variant is classified as a Variant of Uncertain Significance.

This study involves interpretation of variants in research participants for the purpose of population health screening. Participant phenotype was not available at the time of variant classification. Additional details can be found in publication PMID: 35346344, PMCID: PMC8962531